The following is an entry in ClinVar:

NC_012920.1(MT-ND4):m.10776T>C

Gene: MT-ND4 (mitochondrially encoded NADH dehydrogenase 4; plus strand).
Variant type: single nucleotide variant.
Genome position: chrM-10776-T-C.
Identifiers: ClinVar variation 693316 (VCV000693316.1), dbSNP rs1603222966, ClinGen allele CA414806809.
Genomic context (GRCh38, chrMT:10,776, plus strand): 5'-AACACATATGGCCTAGACTACGTACATAACCTAAACCTACTCCAATGCTAAAACTAATCG[T>C]CCCAACAATTATATTACTACCACTGACATGACTTTCCAAAAAACACATAATTTGAATCAA-3'

ClinVar aggregate classification (germline): Uncertain significance (1 of 4 stars; one submission).

Conditions:
Leigh syndrome (NULS). Also called: Leigh's necrotizing encephalopathy; Leigh's disease; Leigh Syndrome (mtDNA deletion); Leigh Disease; Subacute necrotizing encephalopathy; Necrotizing encephalopathy infantile subacute of Leigh. Identifiers: Orphanet 506, MedGen C2931891, MONDO:0009723, OMIM 256000.

Submission:

Wong Mito Lab, Molecular and Human Genetics, Baylor College of Medicine
Classification: Uncertain significance for Leigh syndrome. Last evaluated: 2019-10-17. Review status: criteria provided, single submitter. Criteria: Modified ACMG Guidelines (Unpublished). Collection method: clinical testing. Allele origin: germline.
Comment: The NC_012920.1:m.10776T>C (YP_003024035.1:p.Val6Ala) variant in MTND4 gene is interpretated to be a Uncertain Significance variant based on the modified ACMG guidelines (unpublished). This variant meets the following evidence codes: BP5